The following is an entry in ClinVar:

ClinVar aggregate classification (germline): Uncertain significance (1 of 4 stars; one submission).

Submission:

Labcorp Genetics (formerly Invitae), Labcorp
Classification: Uncertain significance. Last evaluated: 2022-10-17. Review status: criteria provided, single submitter. Criteria: Invitae Variant Classification Sherloc (09022015). Collection method: clinical testing. Allele origin: germline.
Comment: This sequence change replaces alanine, which is neutral and non-polar, with glycine, which is neutral and non-polar, at codon 736 of the CLCN5 protein (p.Ala736Gly). In summary, the available evidence is currently insufficient to determine the role of this variant in disease. Therefore, it has been classified as a Variant of Uncertain Significance. Algorithms developed to predict the effect of missense changes on protein structure and function (SIFT, PolyPhen-2, Align-GVGD) all suggest that this variant is likely to be tolerated. This variant has not been reported in the literature in individuals affected with CLCN5-related conditions. This variant is not present in population databases (gnomAD no frequency).

NM_001127898.4(CLCN5):c.2417C>G (p.Ala806Gly)

Gene: CLCN5 (chloride voltage-gated channel 5; plus strand). Cytogenetic location: Xp11.23.
Variant type: single nucleotide variant.
Coding change: c.2417C>G on transcript NM_001127898.4 (MANE Select); coding-DNA position 2417, C replaced by G.
Protein change: p.Ala806Gly; replaces alanine 806 with glycine.
Molecular consequence: missense variant.
Genome position (GRCh38, 1-based): chrX:50,092,185, C>G. VCF-style: chrX-50092185-C-G. GRCh37 (hg19) VCF-style: chrX-49856842-C-G.
Other names: c.2207C>G, p.Ala736Gly (NM_000084.5); c.2417C>G, p.Ala806Gly (NM_001127899.4); c.2267C>G, p.Ala756Gly (NM_001282163.2); short protein forms A806G, A736G, A756G.
Identifiers: ClinVar variation 2092225 (VCV002092225.4), dbSNP rs782682661, ClinGen allele CA413191937.